The following is an entry in ClinVar:

NM_002691.4(POLD1):c.1162A>G (p.Met388Val)

Gene: POLD1 (DNA polymerase delta 1, catalytic subunit; plus strand). Cytogenetic location: 19q13.33.
Variant type: single nucleotide variant.
Coding change: c.1162A>G on transcript NM_002691.4 (MANE Select); coding-DNA position 1162, A replaced by G.
Protein change: p.Met388Val; replaces methionine 388 with valine.
Molecular consequence: missense variant. On other transcripts: non-coding transcript variant (1).
Genome position (GRCh38, 1-based): chr19:50,403,517, A>G. VCF-style: chr19-50403517-A-G. GRCh37 (hg19) VCF-style: chr19-50906774-A-G.
Other names: c.1162A>G, p.Met388Val (NM_001256849.1, NM_001308632.1); short protein forms M388V.
Identifiers: ClinVar variation 1055362 (VCV001055362.12), dbSNP rs1376051317, ClinGen allele CA406978472.

ClinVar aggregate classification (germline): Uncertain significance. Review status: criteria provided, multiple submitters, no conflicts (2 of 4 stars). 2 submissions from 2 submitters: Uncertain significance (2). Last evaluated 2025-08-15.

Conditions:
Hereditary cancer-predisposing syndrome. Also called: Tumor predisposition; Hereditary Cancer Syndrome; Hereditary neoplastic syndrome; Neoplastic Syndromes, Hereditary. Identifiers: Orphanet 140162, MedGen C0027672, MeSH D009386, MONDO:0015356.
POLD1-related polyposis and colorectal cancer syndrome (CRCS10). Also called: Colorectal cancer 10; COLORECTAL CANCER, SUSCEPTIBILITY TO, ON CHROMOSOME 19q; Colorectal cancer, susceptibility to, 10. Identifiers: Orphanet 220460, MedGen C2675481, MONDO:0012953, OMIM 612591.

Submissions (2):

Ambry Genetics
Classification: Uncertain significance for Hereditary cancer-predisposing syndrome. Last evaluated: 2025-08-15. Review status: criteria provided, single submitter. Criteria: Ambry Variant Classification Scheme 2023. Collection method: clinical testing. Allele origin: germline.
Comment: The p.M388V variant (also known as c.1162A>G), located in coding exon 9 of the POLD1 gene, results from an A to G substitution at nucleotide position 1162. The methionine at codon 388 is replaced by valine, an amino acid with highly similar properties. This amino acid position is poorly conserved in available vertebrate species. In addition, this alteration is predicted to be tolerated by in silico analysis. Since supporting evidence is limited at this time, the clinical significance of this alteration remains unclear.

Labcorp Genetics (formerly Invitae), Labcorp
Classification: Uncertain significance for POLD1-related polyposis and colorectal cancer syndrome. Last evaluated: 2024-03-28. Review status: criteria provided, single submitter. Criteria: Invitae Variant Classification Sherloc (09022015). Collection method: clinical testing. Allele origin: germline.
Comment: This sequence change replaces methionine, which is neutral and non-polar, with valine, which is neutral and non-polar, at codon 388 of the POLD1 protein (p.Met388Val). This variant is not present in population databases (gnomAD no frequency). This variant has not been reported in the literature in individuals affected with POLD1-related conditions. ClinVar contains an entry for this variant (Variation ID: 1055362). Advanced modeling of protein sequence and biophysical properties (such as structural, functional, and spatial information, amino acid conservation, physicochemical variation, residue mobility, and thermodynamic stability) performed at Invitae indicates that this missense variant is not expected to disrupt POLD1 protein function with a negative predictive value of 80%. In summary, the available evidence is currently insufficient to determine the role of this variant in disease. Therefore, it has been classified as a Variant of Uncertain Significance.